The following is an entry in ClinVar:

ClinVar aggregate classification (germline): Likely benign. Review status: criteria provided, multiple submitters, no conflicts (2 of 4 stars). 4 submissions from 4 submitters: Likely benign (3). 1 of the submissions does not count toward it. Last evaluated 2025-04-17.

Conditions:
PCNT-related disorder. Also called: PCNT-related condition.

Allele frequency attached by ClinVar (database versions not stated): gnomAD below 0.00001 and 0.00006; gnomAD exomes 0.00012 and 0.00022; ExAC 0.00022; 1000 Genomes Project 0.00040; TOPMed below 0.00001; 1000 Genomes Project 30x 0.00062.
gnomAD v4.1: 189 of 1,614,082 alleles (0.012%); highest among the groups gnomAD compares: South Asian, 0.2%; 1 homozygote.

Submissions (4):

Labcorp Genetics (formerly Invitae), Labcorp
Classification: Likely benign. Last evaluated: 2025-04-17. Review status: criteria provided, single submitter. Criteria: Invitae Variant Classification Sherloc (09022015). Collection method: clinical testing. Allele origin: germline.

Blueprint Genetics
Classification: Likely benign. Last evaluated: 2024-11-19. Review status: criteria provided, single submitter. Criteria: ACMG Guidelines, 2015. Collection method: clinical testing. Allele origin: germline.

Genetic Services Laboratory, University of Chicago
Classification: Likely benign. Last evaluated: 2016-08-01. Review status: criteria provided, single submitter. Criteria: ACMG Guidelines, 2015. Collection method: clinical testing. Allele origin: germline. Affected: no.

PreventionGenetics, part of Exact Sciences
Classification: Likely benign for PCNT-related condition. Last evaluated: 2023-06-01. Review status: no assertion criteria provided. Collection method: clinical testing. Allele origin: germline. Not counted in ClinVar's aggregate classification.
Comment: This variant is classified as likely benign based on ACMG/AMP sequence variant interpretation guidelines (Richards et al. 2015 PMID: 25741868, with internal and published modifications).

NM_006031.6(PCNT):c.5073T>C (p.Ala1691=)

Gene: PCNT (pericentrin; plus strand). Cytogenetic location: 21q22.3.
Variant type: single nucleotide variant.
Coding change: c.5073T>C on transcript NM_006031.6 (MANE Select); coding-DNA position 5073, T replaced by C.
Protein change: p.Ala1691=; no amino-acid change (alanine 1691 retained).
Molecular consequence: synonymous variant.
Genome position (GRCh38, 1-based): chr21:46,402,441, T>C. VCF-style: chr21-46402441-T-C. GRCh37 (hg19) VCF-style: chr21-47822355-T-C.
Other names: c.4719T>C, p.Ala1573= (NM_001315529.2).
Identifiers: ClinVar variation 436198 (VCV000436198.15), dbSNP rs570456724, ClinGen allele CA10079871.